The following is an entry in ClinVar:

ClinVar aggregate classification (germline): Uncertain significance (1 of 4 stars; one submission).

Conditions:
DROSHA-related disorder. Also called: DROSHA-related condition.

Submission:

PreventionGenetics, part of Exact Sciences
Classification: Uncertain significance for DROSHA-related condition. Last evaluated: 2026-05-21. Review status: criteria provided, single submitter. Criteria: ACMG Guidelines, 2015. Collection method: clinical testing. Allele origin: germline.
Comment: The DROSHA c.1915-1G>T variant is predicted to disrupt the AG splice acceptor site and interfere with normal splicing. To our knowledge, this variant has not been reported in the literature or in a large population database (gnomAD), indicating this variant is rare. At the time of reporting, this variant has not been interpreted in ClinVar. At this time, the clinical significance of this variant is uncertain due to limited functional and genetic evidence establishing that loss-of-function variants in DROSHA are associated with disease

NM_001382508.1(DROSHA):c.1915-1G>T

Gene: DROSHA (drosha ribonuclease III; minus strand). Cytogenetic location: 5p13.3.
Variant type: single nucleotide variant.
Coding change: c.1915-1G>T on transcript NM_001382508.1 (MANE Select); the canonical splice acceptor site of the intron before coding-DNA position 1915, G replaced by T.
Molecular consequence: splice acceptor variant.
Genome position (GRCh38, 1-based): chr5:31,484,963, C>A on the plus strand (G>T on the coding strand, the complement: DROSHA is on the minus strand). VCF-style: chr5-31484963-C-A. GRCh37 (hg19) VCF-style: chr5-31485070-C-A.
Other names: c.1915-1G>T (NM_013235.5); c.1804-1G>T (NM_001100412.2).
Identifiers: ClinVar variation 4992578 (VCV004992578.1).